The following is an entry in ClinVar:

NM_001029896.2(WDR45):c.938G>T (p.Gly313Val)

Gene: WDR45 (WD repeat domain 45; minus strand). Cytogenetic location: Xp11.23.
Variant type: single nucleotide variant.
Coding change: c.938G>T on transcript NM_001029896.2 (MANE Select); coding-DNA position 938, G replaced by T.
Protein change: p.Gly313Val; replaces glycine 313 with valine.
Molecular consequence: missense variant.
Genome position (GRCh38, 1-based): chrX:49,075,171, C>A on the plus strand (G>T on the coding strand, the complement: WDR45 is on the minus strand). VCF-style: chrX-49075171-C-A. GRCh37 (hg19) VCF-style: chrX-48932830-C-A.
Other names: c.941G>T, p.Gly314Val (NM_007075.4); short protein forms G313V, G314V.
Identifiers: ClinVar variation 3715410 (VCV003715410.2).
Genomic context (GRCh38, chrX:49,075,171, plus strand): 5'-CAACCAAGGGGCTGTTCCCACTCACCAATGACAGAGTTGACGTTCTTGGAAGTATTGCGA[C>A]CGAAGGCGCAGATGCAAGCTGACTCAGCAGGCACAGTGAAGCTCGCCAGGCTCCACTGAG-3'
Protein context (NP_001025067.1, residues 303-323): PAESACICAF[Gly313Val]RNTSKNVNSV

ClinVar aggregate classification (germline): Uncertain significance (1 of 4 stars; one submission).

Conditions:
Neurodegeneration with brain iron accumulation 5 (NBIA5). Also called: Beta-propeller protein-associated neurodegeneration; STATIC ENCEPHALOPATHY OF CHILDHOOD WITH NEURODEGENERATION IN ADULTHOOD. Identifiers: Orphanet 329284, MedGen C3550973, MONDO:0010476, OMIM 300894.

Submission:

Labcorp Genetics (formerly Invitae), Labcorp
Classification: Uncertain significance for Neurodegeneration with brain iron accumulation 5. Last evaluated: 2024-09-25. Review status: criteria provided, single submitter. Criteria: Invitae Variant Classification Sherloc (09022015). Collection method: clinical testing. Allele origin: germline.
Comment: This sequence change replaces glycine, which is neutral and non-polar, with valine, which is neutral and non-polar, at codon 314 of the WDR45 protein (p.Gly314Val). This variant is not present in population databases (gnomAD no frequency). This variant has not been reported in the literature in individuals affected with WDR45-related conditions. Invitae Evidence Modeling of protein sequence and biophysical properties (such as structural, functional, and spatial information, amino acid conservation, physicochemical variation, residue mobility, and thermodynamic stability) indicates that this missense variant is not expected to disrupt WDR45 protein function with a negative predictive value of 80%. In summary, the available evidence is currently insufficient to determine the role of this variant in disease. Therefore, it has been classified as a Variant of Uncertain Significance.